The following is an entry in ClinVar:

NM_001012759.3(CTU2):c.879C>A (p.Phe293Leu)

Gene: CTU2 (cytosolic thiouridylase subunit 2; plus strand). Cytogenetic location: 16q24.3.
Variant type: single nucleotide variant.
Coding change: c.879C>A on transcript NM_001012759.3 (MANE Select); coding-DNA position 879, C replaced by A.
Protein change: p.Phe293Leu; replaces phenylalanine 293 with leucine.
Molecular consequence: missense variant.
Genome position (GRCh38, 1-based): chr16:88,713,652, C>A. VCF-style: chr16-88713652-C-A. GRCh37 (hg19) VCF-style: chr16-88780060-C-A.
Other names: c.879C>A, p.Phe293Leu (NM_001012762.3); c.1092C>A, p.Phe364Leu (NM_001318507.2); c.618C>A, p.Phe206Leu (NM_001318513.2); short protein forms F206L, F293L, F364L.
Identifiers: ClinVar variation 5020555 (VCV005020555.1).

ClinVar aggregate classification (germline): Uncertain significance (1 of 4 stars; one submission).

Submission:

Dasa
Classification: Uncertain significance. Last evaluated: 2026-08-13. Review status: criteria provided, single submitter. Criteria: DASA Assertion Criteria. Collection method: clinical testing. Allele origin: germline.
Comment: NM_001012759.3(CTU2):c.879C>A (p.Phe293Leu) is a missense variant that results in the substitution of phenylalanine with leucine. This variant is rare in population databases. The currently available literature and clinical evidence are not sufficient to establish a definitive association between this variant and the reported condition. Therefore, this variant is classified as a variant of uncertain significance.